The following is an entry in ClinVar:

NM_003265.3(TLR3):c.1037T>C (p.Ile346Thr)

Gene: TLR3 (toll like receptor 3; plus strand). Cytogenetic location: 4q35.1.
Variant type: single nucleotide variant.
Coding change: c.1037T>C on transcript NM_003265.3 (MANE Select); coding-DNA position 1037, T replaced by C.
Protein change: p.Ile346Thr; replaces isoleucine 346 with threonine.
Molecular consequence: missense variant.
Genome position (GRCh38, 1-based): chr4:186,082,723, T>C. VCF-style: chr4-186082723-T-C. GRCh37 (hg19) VCF-style: chr4-187003877-T-C.
Other names: short protein forms I346T.
Identifiers: ClinVar variation 1955033 (VCV001955033.5), dbSNP rs1561372085, ClinGen allele CA358930709.

ClinVar aggregate classification (germline): Uncertain significance (1 of 4 stars; one submission).

Conditions:
Encephalopathy, acute, infection-induced (herpes-specific), susceptibility to, 1. Also called: Herpes simplex encephalitis, susceptibility to, 1. Identifiers: Orphanet 1930, MedGen C2750180, MONDO:0024563, OMIM 610551.

Allele frequency attached by ClinVar (database versions not stated): gnomAD exomes 0.00001.
gnomAD v4.1: 9 of 1,614,064 alleles (0.00056%); highest among the groups gnomAD compares: Non-Finnish European, 0.00076%; no homozygotes.

Submission:

Labcorp Genetics (formerly Invitae), Labcorp
Classification: Uncertain significance for Encephalopathy, acute, infection-induced (herpes-specific), susceptibility to, 1. Last evaluated: 2023-11-19. Review status: criteria provided, single submitter. Criteria: Invitae Variant Classification Sherloc (09022015). Collection method: clinical testing. Allele origin: germline.
Comment: This sequence change replaces isoleucine, which is neutral and non-polar, with threonine, which is neutral and polar, at codon 346 of the TLR3 protein (p.Ile346Thr). This variant is not present in population databases (gnomAD no frequency). This variant has not been reported in the literature in individuals affected with TLR3-related conditions. ClinVar contains an entry for this variant (Variation ID: 1955033). An algorithm developed to predict the effect of missense changes on protein structure and function (PolyPhen-2) suggests that this variant is likely to be disruptive. In summary, the available evidence is currently insufficient to determine the role of this variant in disease. Therefore, it has been classified as a Variant of Uncertain Significance.